The following is an entry in ClinVar:

ClinVar aggregate classification (germline): Pathogenic (1 of 4 stars; one submission).

Submission:

Quest Diagnostics Nichols Institute San Juan Capistrano
Classification: Pathogenic. Last evaluated: 2021-12-07. Review status: criteria provided, single submitter. Criteria: ACMG/ClinGen CNV Guidelines, 2019. Collection method: clinical testing. Allele origin: unknown.
Comment: The copy number loss of 6q16.1q21 involves multiple protein-coding genes, including GRIK2 (OMIM 138244), SIM1 (OMIM 603128), and POU3F2 (OMIM 600494). Numerous copy number losses within and overlapping the current interval, both de novo and inherited from affected parents, have been reported as 6q16 microdeletions with a Prader-Willi-like phenotype, typically involving obesity, developmental delay/intellectual disability, and sometimes dysmorphic facial features (Izumi 2013, Kasher 2016, Khattabi 2015, Strunk 2016, Wang 2008). GRIK2, SIM1, and POU3F2 have all been suggested to play a role in the phenotypes resulting from deletions within this region. Further, there are no similar copy number losses of this region in the general populations of the Database of Genomic Variants. Based on gene content and review of the medical literature, this copy number variant (CNV) is interpreted as pathogenic. Other information of the 6q16.1q21 deletion: heterozygous missense variants of GRIK2 are associated with autosomal dominant neurodevelopmental disorder with impaired language and ataxia and with or without seizures (OMIM 619580), while biallelic pathogenic variants of GRIK2 are associated with autosomal recessive intellectual developmental disorder-6, which is characterized by developmental delay and cognitive impairment, typically without congenital malformations or facial dysmorphism (OMIM 611092). SIM1 and POU3F2 are not currently associated with OMIM phenotypes. There are also multiple genes in this copy number loss that are associated with autosomal recessive disorders: NDUFAF4 (OMIM 611776), FBXL4 (OMIM 605654), HACE1 (OMIM 610876), POPDC1 (OMIM 604577), and POPDC3 (OMIM 605824). References: Izumi et al., Am J Med Genet A. 2013 Dec;161A(12):3137-43. PMID: 24038875. Kasher et al., Am J Hum Genet. 2016 Feb 4;98(2):363-72. PMID: 26833329. Khattabi et al., Eur J Hum Genet. 2015 Aug;23(8):1010-8. PMID: 25351778. Strunk et al., Mol Cytogenet. 2016 Dec 3;9:88. PMID: 27980676. Wang et al., Am J Med Genet A. 2008 Nov 15;146A(22):2975-8. PMID: 18925680. _x000D__x000D_

GRCh37/hg19 6q16.1-21(chr6:96946110-106497526)x1

Genes: ASCC3 (activating signal cointegrator 1 complex subunit 3; minus strand), CCNC (cyclin C; minus strand), COQ3 (coenzyme Q3, methyltransferase; minus strand), FAXC (failed axon connections homolog, metaxin like GST domain containing; minus strand), FBXL4 (F-box and leucine rich repeat protein 4; minus strand) and 19 more. Cytogenetic location: 6q16.1-21.
Variant type: copy number loss.
Change: copy number 1 (one copy instead of two) of chr6:96,946,110-106,497,526 (9.55 Mb, GRCh37 coordinates, 1-based), cytogenetic band 6q16.1-21.
Identifiers: ClinVar variation 1807814 (VCV001807814.1).